The following is an entry in ClinVar:

NM_032242.4(PLXNA1):c.1133G>T (p.Arg378Leu)

Gene: PLXNA1 (plexin A1; plus strand). Cytogenetic location: 3q21.3.
Variant type: single nucleotide variant.
Coding change: c.1133G>T on transcript NM_032242.4 (MANE Select); coding-DNA position 1133, G replaced by T.
Protein change: p.Arg378Leu; replaces arginine 378 with leucine.
Molecular consequence: missense variant.
Genome position (GRCh38, 1-based): chr3:126,989,726, G>T. VCF-style: chr3-126989726-G-T. GRCh37 (hg19) VCF-style: chr3-126708569-G-T.
Other names: short protein forms R378L.
Identifiers: ClinVar variation 3350118 (VCV003350118.2).
Genomic context (GRCh38, chr3:126,989,726, plus strand): 5'-GCCTGTTCACGCTCAGGGCCATCAAGGAGAAGATTAAGGAGCGCATCCAGTCCTGCTACC[G>T]TGGTGAGGGCAAGCTCTCCCTGCCGTGGCTGCTCAACAAGGAGCTGGGCTGCATCAACTC-3'
Protein context (NP_115618.3, residues 368-388): KIKERIQSCY[Arg378Leu]GEGKLSLPWL

ClinVar aggregate classification (germline): Uncertain significance (1 of 4 stars; one submission).

Conditions:
PLXNA1-related disorder. Also called: PLXNA1-related condition.

Submission:

PreventionGenetics, part of Exact Sciences
Classification: Uncertain significance for PLXNA1-related condition. Last evaluated: 2024-10-14. Review status: criteria provided, single submitter. Criteria: ACMG Guidelines, 2015. Collection method: clinical testing. Allele origin: germline.
Comment: The PLXNA1 c.1133G>T variant is predicted to result in the amino acid substitution p.Arg378Leu. To our knowledge, this variant has not been reported in the literature or in a large population database (gnomAD), indicating this variant is rare. Of note, a different variant impacting the same amino acid (p.Arg378His) was reported in a patient with obesity, hypotonia, autism, and speech delay (van der Klaauw et al. 2019. PubMed ID: 30661757). At this time, the clinical significance of this variant is uncertain due to the absence of conclusive functional and genetic evidence.